The following is an entry in ClinVar:

NM_000719.7(CACNA1C):c.4727-190G>A

Gene: CACNA1C (calcium voltage-gated channel subunit alpha1 C; plus strand). Cytogenetic location: 12p13.33.
Variant type: single nucleotide variant.
Coding change: c.4727-190G>A on transcript NM_000719.7 (MANE Select); 190 bases into the intron before coding-DNA position 4727, G replaced by A.
Molecular consequence: intron variant.
Genome position (GRCh38, 1-based): chr12:2,674,351, G>A. VCF-style: chr12-2674351-G-A. GRCh37 (hg19) VCF-style: chr12-2783517-G-A.
Other names: c.4727-190G>A (NM_001167624.3, NM_001167623.2, NM_001129840.2 and 4 more transcripts); c.4694-190G>A (NM_001167625.2, NM_001129846.2); c.4871-190G>A (NM_199460.4, NM_001129827.2); c.4787-190G>A (NM_001129832.2); c.4811-190G>A (NM_001129831.2); c.4727-133G>A (NM_001129833.2, NM_001129834.2, NM_001129835.2); c.4793-133G>A (NM_001129829.2); c.4694-133G>A (NM_001129837.2, NM_001129838.2); and 3 more.
Identifiers: ClinVar variation 674572 (VCV000674572.6), dbSNP rs11062308, ClinGen allele CA231604499.
Genomic context (GRCh38, chr12:2,674,351, plus strand): 5'-GAAGGGGACAGGAATGGCATTGGACGGGGCACAAGAGGGAAGGGGGAAGGAAGGAAGGTG[G>A]ACAGAGGAAGGGGAAGAGGAAGGAGGTGGAAAATGGGAAGACTGGGGAGAAGTGAAGCAA-3'

ClinVar aggregate classification (germline): Benign/Likely benign. Review status: criteria provided, multiple submitters, no conflicts (2 of 4 stars). 3 submissions from 3 submitters: Benign (1); Likely benign (2). Last evaluated 2019-12-31.

Conditions:
Long QT syndrome (LQTS). Identifiers: MedGen C0023976, MeSH D008133, MONDO:0002442. Disease mechanism: loss of function. Inheritance: Various modes of inheritance.

Allele frequency attached by ClinVar (database versions not stated): gnomAD 0.04196 and 0.04349; gnomAD exomes 0.04446; TOPMed 0.04848; 1000 Genomes Project 30x 0.06168; 1000 Genomes Project 0.06430.
gnomAD v4.1: 34,196 of 773,098 alleles (4.4%); highest among the groups gnomAD compares: East Asian, 16%; 1,333 homozygotes.

Submissions (3):

Labcorp Genetics (formerly Invitae), Labcorp
Classification: Benign for Long QT syndrome. Last evaluated: 2019-12-31. Review status: criteria provided, single submitter. Criteria: Invitae Variant Classification Sherloc (09022015). Collection method: clinical testing. Allele origin: germline.

GeneDx
Classification: Likely benign. Last evaluated: 2018-06-14. Review status: criteria provided, single submitter. Criteria: GeneDx Variant Classification (06012015). Collection method: clinical testing. Allele origin: germline. Affected: yes.
Comment: This variant is considered likely benign or benign based on one or more of the following criteria: it is a conservative change, it occurs at a poorly conserved position in the protein, it is predicted to be benign by multiple in silico algorithms, and/or has population frequency not consistent with disease.

Breakthrough Genomics
Classification: Likely benign. Review status: criteria provided, single submitter. Criteria: ACMG Guidelines, 2015. Collection method: not provided. Allele origin: germline. Inheritance: Autosomal dominant inheritance. Affected: yes.